The following is an entry in ClinVar:

NM_033026.6(PCLO):c.12541G>A (p.Ala4181Thr)

Gene: PCLO (piccolo presynaptic cytomatrix protein; minus strand). Cytogenetic location: 7q21.11.
Variant type: single nucleotide variant.
Coding change: c.12541G>A on transcript NM_033026.6 (MANE Select); coding-DNA position 12541, G replaced by A.
Protein change: p.Ala4181Thr; replaces alanine 4181 with threonine.
Molecular consequence: missense variant.
Genome position (GRCh38, 1-based): chr7:82,915,445, C>T on the plus strand (G>A on the coding strand, the complement: PCLO is on the minus strand). VCF-style: chr7-82915445-C-T. GRCh37 (hg19) VCF-style: chr7-82544761-C-T.
Other names: c.12541G>A, p.Ala4181Thr (NM_014510.3); short protein forms A4181T.
Identifiers: ClinVar variation 1513507 (VCV001513507.8), dbSNP rs765477301, ClinGen allele CA367887586.

ClinVar aggregate classification (germline): Uncertain significance (1 of 4 stars; one submission).

Allele frequency attached by ClinVar (database versions not stated): TOPMed below 0.00001; gnomAD 0.00001.
gnomAD v4.1: 1 of 1,612,972 alleles (0.000062%); highest among the groups gnomAD compares: African/African-American, 0.0013%; no homozygotes.

Submission:

Labcorp Genetics (formerly Invitae), Labcorp
Classification: Uncertain significance. Last evaluated: 2021-06-16. Review status: criteria provided, single submitter. Criteria: Invitae Variant Classification Sherloc (09022015). Collection method: clinical testing. Allele origin: germline.
Comment: This variant has not been reported in the literature in individuals with PCLO-related conditions. Algorithms developed to predict the effect of missense changes on protein structure and function are either unavailable or do not agree on the potential impact of this missense change (SIFT: "Deleterious"; PolyPhen-2: "Not Available"; Align-GVGD: "Class C0"). In summary, the available evidence is currently insufficient to determine the role of this variant in disease. Therefore, it has been classified as a Variant of Uncertain Significance. This sequence change replaces alanine with threonine at codon 4181 of the PCLO protein (p.Ala4181Thr). The alanine residue is moderately conserved and there is a small physicochemical difference between alanine and threonine. This variant is not present in population databases (ExAC no frequency).